The following is an entry in ClinVar:

NM_000350.3(ABCA4):c.3924G>C (p.Glu1308Asp)

Gene: ABCA4 (ATP binding cassette subfamily A member 4; minus strand). Cytogenetic location: 1p22.1.
Variant type: single nucleotide variant.
Coding change: c.3924G>C on transcript NM_000350.3 (MANE Select); coding-DNA position 3924, G replaced by C.
Protein change: p.Glu1308Asp; replaces glutamic acid 1308 with aspartic acid.
Molecular consequence: missense variant.
Genome position (GRCh38, 1-based): chr1:94,031,982, C>G on the plus strand (G>C on the coding strand, the complement: ABCA4 is on the minus strand). VCF-style: chr1-94031982-C-G. GRCh37 (hg19) VCF-style: chr1-94497538-C-G.
Other names: c.3702G>C, p.Glu1234Asp (NM_001425324.1); short protein forms E1234D, E1308D.
Identifiers: ClinVar variation 2786175 (VCV002786175.3), dbSNP rs762784197, ClinGen allele CA341287748.

ClinVar aggregate classification (germline): Uncertain significance (1 of 4 stars; one submission).

Submission:

Labcorp Genetics (formerly Invitae), Labcorp
Classification: Uncertain significance. Last evaluated: 2023-12-12. Review status: criteria provided, single submitter. Criteria: Invitae Variant Classification Sherloc (09022015). Collection method: clinical testing. Allele origin: germline.
Comment: This sequence change replaces glutamic acid, which is acidic and polar, with aspartic acid, which is acidic and polar, at codon 1308 of the ABCA4 protein (p.Glu1308Asp). This variant is not present in population databases (gnomAD no frequency). This variant has not been reported in the literature in individuals affected with ABCA4-related conditions. Advanced modeling of protein sequence and biophysical properties (such as structural, functional, and spatial information, amino acid conservation, physicochemical variation, residue mobility, and thermodynamic stability) has been performed at Invitae for this missense variant, however the output from this modeling did not meet the statistical confidence thresholds required to predict the impact of this variant on ABCA4 protein function. In summary, the available evidence is currently insufficient to determine the role of this variant in disease. Therefore, it has been classified as a Variant of Uncertain Significance.